The following is an entry in ClinVar:

ClinVar aggregate classification (germline): Pathogenic/Likely pathogenic. Review status: criteria provided, multiple submitters, no conflicts (2 of 4 stars). 7 submissions from 7 submitters: Pathogenic (2); Likely pathogenic (1). 4 of the submissions do not count toward it. Last evaluated 2020-01-30.

Conditions:
Breast-ovarian cancer, familial, susceptibility to, 1 (BROVCA1). Also called: BRCA1 Hereditary Breast and Ovarian Cancer; OVARIAN CANCER, SUSCEPTIBILITY TO. Identifiers: Orphanet 145, MedGen C2676676, MONDO:0011450, OMIM 604370. Disease mechanism: loss of function.
Hereditary cancer-predisposing syndrome. Also called: Hereditary Cancer Syndrome; Hereditary neoplastic syndrome; Neoplastic Syndromes, Hereditary; Tumor predisposition. Identifiers: Orphanet 140162, MedGen C0027672, MeSH D009386, MONDO:0015356.

Submissions (8):

Ambry Genetics
Classification: Likely pathogenic for Hereditary cancer-predisposing syndrome. Last evaluated: 2020-01-30. Review status: criteria provided, single submitter. Criteria: Ambry Variant Classification Scheme 2023. Collection method: clinical testing. Allele origin: germline.
Comment: The c.5406+5G>A intronic variant results from a G to A substitution 5 nucleotides after coding exon 20 in the BRCA1 gene. This alteration, referred to as IVS22+5G>A, was reported to segregate with disease in one Dutch hereditary breast cancer family and RT-PCR analysis demonstrated that it results in exon 22 skipping and premature protein truncation (Petrij-Bosch A et al. Nat. Genet., 1997 Nov;17:341-5). A similar alteration at this position, c.5406+5G>C, has also been demonstrated to result in exon 22 skipping (Houdayer C et al Hum. Mutat. 2012 Aug; 33(8):1228-38). One functional study found that c.5406+5G>A is deleterious in a high throughput genome editing haploid cell survival assay (Findlay GM et al. Nature, 2018 10;562:217-222). This nucleotide position is highly conserved in available vertebrate species. Using the BDGP and ESEfinder splice site prediction tools, this alteration is predicted to weaken the efficiency of the native splice donor site; however, direct evidence is unavailable. Based on the majority of available evidence to date, this variant is likely to be pathogenic.

Consortium of Investigators of Modifiers of BRCA1/2 (CIMBA), c/o University of Cambridge
Classification: Pathogenic for Breast-ovarian cancer, familial, susceptibility to, 1. Last evaluated: 2015-10-02. Review status: criteria provided, single submitter. Criteria: CIMBA Mutation Classification guidelines May 2016. Collection method: clinical testing. Allele origin: germline.

Clinical Genetics DNA and cytogenetics Diagnostics Lab, Erasmus MC, Erasmus Medical Center
Classification: Pathogenic for Breast-ovarian cancer, familial, susceptibility to, 1. Last evaluated: 2015-09-21. Review status: criteria provided, single submitter. Criteria: ACGS Guidelines, 2013. Collection method: clinical testing. Allele origin: germline. Affected: yes. Study: VKGL Data-share Consensus.

Sharing Clinical Reports Project (SCRP)
Classification: Pathogenic for Breast-ovarian cancer, familial 1. Last evaluated: 2011-12-07. Review status: no assertion criteria provided. Collection method: clinical testing. Allele origin: germline. Not counted in ClinVar's aggregate classification.

Breast Cancer Information Core (BIC) (BRCA1)
Classification: Uncertain significance for Breast-ovarian cancer, familial 1. Last evaluated: 1998-08-26. Review status: no assertion criteria provided. Collection method: clinical testing. Allele origin: germline. Affected: yes. Observed: 2 variant alleles. Not counted in ClinVar's aggregate classification.

Brotman Baty Institute, University of Washington
No classification provided (evidence only). Condition: Breast-ovarian cancer, familial 1. Review status: no classification provided. Collection method: in vitro. Allele origin: not applicable. Functional consequence: functionally_abnormal. Not counted in ClinVar's aggregate classification.
ClinVar note: "not provided" was previously submitted as the classification for the variant. However, the classification appeared to be based only on an observation of functional data so it was converted to no classification on 2025-07-30.

Diagnostic Laboratory, Department of Genetics, University Medical Center Groningen
Classification: Pathogenic for Breast-ovarian cancer, familial, susceptibility to, 1. Review status: no assertion criteria provided. Collection method: clinical testing. Allele origin: germline. Affected: yes. Study: VKGL Data-share Consensus. Not counted in ClinVar's aggregate classification.

Joint Genome Diagnostic Labs from Nijmegen and Maastricht, Radboudumc and MUMC+
Classification: Pathogenic. Review status: no assertion criteria provided. Collection method: clinical testing. Allele origin: germline. Affected: yes. Study: VKGL Data-share Consensus. Not counted in ClinVar's aggregate classification.

Literature cited by the submitters: PubMed 22486713 (cited by Ambry Genetics); PubMed 25525159 (cited by Ambry Genetics); PubMed 30209399 (cited by Ambry Genetics); PubMed 9354803 (cited by Ambry Genetics).

NM_007294.4(BRCA1):c.5406+5G>A

Gene: BRCA1 (BRCA1 DNA repair associated; minus strand). Cytogenetic location: 17q21.31.
Variant type: single nucleotide variant.
Coding change: c.5406+5G>A on transcript NM_007294.4 (MANE Select); 5 bases into the intron after coding-DNA position 5406, G replaced by A.
Molecular consequence: intron variant.
Genome position (GRCh38, 1-based): chr17:43,049,116, C>T on the plus strand (G>A on the coding strand, the complement: BRCA1 is on the minus strand). VCF-style: chr17-43049116-C-T. GRCh37 (hg19) VCF-style: chr17-41201133-C-T.
Other names: IVS22+5G>A; c.5190+5G>A (NM_001407917.1, NM_001407918.1, NM_001407915.1 and 1 more transcripts); c.1953+5G>A (NM_001408462.1, NM_001408458.1, NM_001408461.1 and 7 more transcripts); c.5403+5G>A (NM_001407623.1, NM_001407615.1, NM_001407625.1 and 14 more transcripts); c.5406+5G>A (NM_001407605.1, NM_001407594.1, NM_001407593.1 and 5 more transcripts); c.5193+5G>A (NM_001407902.1, NM_001407897.1, NM_001407908.1 and 12 more transcripts); c.2016+5G>A (NM_001408414.1, NM_001408415.1, NM_001408412.1 and 2 more transcripts); c.2019+5G>A (NM_001408411.1); and 85 more.
Identifiers: ClinVar variation 55564 (VCV000055564.12), dbSNP rs80358073, ClinGen allele CA003559.
Genomic context (GRCh38, chr17:43,049,116, plus strand): 5'-TGCCAGTCTTGCTCACAGGAGAGAATATTGTGTCCTCCCTCTCTGACAGGGCACCCAATA[C>T]TTACTGTGCCAAGGGTGAATGATGAAAGCTCCTTCACCACAGAAGCACCACACAGCTGTA-3'